The following is an entry in ClinVar:

ClinVar aggregate classification (germline): Uncertain significance (1 of 4 stars; one submission).

Submission:

Women's Health and Genetics/Laboratory Corporation of America, LabCorp
Classification: Uncertain significance. Last evaluated: 2025-06-16. Review status: criteria provided, single submitter. Criteria: LabCorp Variant Classification Summary - May 2015. Collection method: clinical testing. Allele origin: germline.
Comment: Variant summary: GALNS c.416G>C (p.Gly139Ala) results in a non-conservative amino acid change in the encoded protein sequence. Algorithms developed to predict the effect of missense changes on protein structure and function all suggest that this variant is likely to be disruptive. The variant was absent in 251092 control chromosomes. The available data on variant occurrences in the general population are insufficient to allow any conclusion about variant significance. To our knowledge, no occurrence of c.416G>C in individuals affected with Mucopolysaccharidosis Type IVA (Morquio Syndrome A) and no experimental evidence demonstrating its impact on protein function have been reported. A different variant affecting the same codon has been classified as pathogenic by our lab (c.415G>A, p.Gly139Ser), supporting the critical relevance of codon 139 to GALNS protein function. No submitters have cited clinical-significance assessments for this variant to ClinVar. Based on the evidence outlined above, the variant was classified as uncertain significance.

NM_000512.5(GALNS):c.416G>C (p.Gly139Ala)

Gene: GALNS (galactosamine (N-acetyl)-6-sulfatase; minus strand). Cytogenetic location: 16q24.3.
Variant type: single nucleotide variant.
Coding change: c.416G>C on transcript NM_000512.5 (MANE Select); coding-DNA position 416, G replaced by C.
Protein change: p.Gly139Ala; replaces glycine 139 with alanine.
Molecular consequence: missense variant. On other transcripts: 5 prime UTR variant (1).
Genome position (GRCh38, 1-based): chr16:88,840,998, C>G on the plus strand (G>C on the coding strand, the complement: GALNS is on the minus strand). VCF-style: chr16-88840998-C-G. GRCh37 (hg19) VCF-style: chr16-88907406-C-G.
Other names: c.-140G>C (NM_001323543.2); c.434G>C, p.Gly145Ala (NM_001323544.2); short protein forms G139A, G145A.
Identifiers: ClinVar variation 3907094 (VCV003907094.1).